The following is an entry in ClinVar:

NM_020207.7(ERCC6L2):c.1166A>G (p.Tyr389Cys)

Gene: ERCC6L2 (ERCC excision repair 6 like 2; plus strand). Cytogenetic location: 9q22.32.
Variant type: single nucleotide variant.
Coding change: c.1166A>G on transcript NM_020207.7 (MANE Select); coding-DNA position 1166, A replaced by G.
Protein change: p.Tyr389Cys; replaces tyrosine 389 with cysteine.
Molecular consequence: missense variant. On other transcripts: non-coding transcript variant (1).
Genome position (GRCh38, 1-based): chr9:95,921,182, A>G. VCF-style: chr9-95921182-A-G. GRCh37 (hg19) VCF-style: chr9-98683464-A-G.
Other names: c.1166A>G, p.Tyr389Cys (NM_001010895.4, NM_001375291.1, NM_001375292.1 and 2 more transcripts); short protein forms Y389C.
Identifiers: ClinVar variation 4827686 (VCV004827686.1).

ClinVar aggregate classification (germline): Uncertain significance (1 of 4 stars; one submission).

Conditions:
Inborn genetic diseases. Identifiers: MedGen C0950123, MeSH D030342.

Submission:

Ambry Genetics
Classification: Uncertain significance for Inborn genetic diseases. Last evaluated: 2026-03-07. Review status: criteria provided, single submitter. Criteria: Ambry Variant Classification Scheme 2023. Collection method: clinical testing. Allele origin: germline.
Comment: The p.Y389C variant (also known as c.1166A>G), located in coding exon 7 of the ERCC6L2 gene, results from an A to G substitution at nucleotide position 1166. The tyrosine at codon 389 is replaced by cysteine, an amino acid with highly dissimilar properties. This amino acid position is conserved. In addition, the in silico prediction for this alteration is inconclusive. Based on the available evidence, the clinical significance of this variant remains unclear.